The following is an entry in ClinVar:

NM_005546.4(ITK):c.49C>A (p.Gln17Lys)

Gene: ITK (IL2 inducible T cell kinase; plus strand). Cytogenetic location: 5q33.3.
Variant type: single nucleotide variant.
Coding change: c.49C>A on transcript NM_005546.4 (MANE Select); coding-DNA position 49, C replaced by A.
Protein change: p.Gln17Lys; replaces glutamine 17 with lysine.
Molecular consequence: missense variant.
Genome position (GRCh38, 1-based): chr5:157,181,026, C>A. VCF-style: chr5-157181026-C-A. GRCh37 (hg19) VCF-style: chr5-156608037-C-A.
Other names: short protein forms Q17K.
Identifiers: ClinVar variation 2780898 (VCV002780898.3), dbSNP rs781686293, ClinGen allele CA361966287.

ClinVar aggregate classification (germline): Uncertain significance (1 of 4 stars; one submission).

Conditions:
Lymphoproliferative syndrome 1 (LPFS1). Identifiers: Orphanet 238505, Orphanet 538963, MedGen C3552634, MONDO:0013081, OMIM 613011.

Submission:

Labcorp Genetics (formerly Invitae), Labcorp
Classification: Uncertain significance for Lymphoproliferative syndrome 1. Last evaluated: 2023-09-03. Review status: criteria provided, single submitter. Criteria: Invitae Variant Classification Sherloc (09022015). Collection method: clinical testing. Allele origin: germline.
Comment: This sequence change replaces glutamine, which is neutral and polar, with lysine, which is basic and polar, at codon 17 of the ITK protein (p.Gln17Lys). This variant is not present in population databases (gnomAD no frequency). This variant has not been reported in the literature in individuals affected with ITK-related conditions. Advanced modeling of protein sequence and biophysical properties (such as structural, functional, and spatial information, amino acid conservation, physicochemical variation, residue mobility, and thermodynamic stability) performed at Invitae indicates that this missense variant is not expected to disrupt ITK protein function. In summary, the available evidence is currently insufficient to determine the role of this variant in disease. Therefore, it has been classified as a Variant of Uncertain Significance.